The following is an entry in ClinVar:

ClinVar aggregate classification (germline): Uncertain significance (1 of 4 stars; one submission).

Submission:

Labcorp Genetics (formerly Invitae), Labcorp
Classification: Uncertain significance. Last evaluated: 2019-03-20. Review status: criteria provided, single submitter. Criteria: Invitae Variant Classification Sherloc (09022015). Collection method: clinical testing. Allele origin: germline.
Comment: In summary, the available evidence is currently insufficient to determine the role of this variant in disease. Therefore, it has been classified as a Variant of Uncertain Significance. Algorithms developed to predict the effect of missense changes on protein structure and function (SIFT, PolyPhen-2, Align-GVGD) all suggest that this variant is likely to be tolerated, but these predictions have not been confirmed by published functional studies and their clinical significance is uncertain. This sequence change replaces glutamic acid with aspartic acid at codon 49 of the PRKN protein (p.Glu49Asp). The glutamic acid residue is moderately conserved and there is a small physicochemical difference between glutamic acid and aspartic acid. This variant is not present in population databases (ExAC no frequency). This variant has not been reported in the literature in individuals with PRKN-related conditions.

NM_004562.3(PRKN):c.147G>C (p.Glu49Asp)

Gene: PRKN (parkin RBR E3 ubiquitin protein ligase; minus strand). Cytogenetic location: 6q26.
Variant type: single nucleotide variant.
Coding change: c.147G>C on transcript NM_004562.3 (MANE Select); coding-DNA position 147, G replaced by C.
Protein change: p.Glu49Asp; replaces glutamic acid 49 with aspartic acid.
Molecular consequence: missense variant.
Genome position (GRCh38, 1-based): chr6:162,443,334, C>G on the plus strand (G>C on the coding strand, the complement: PRKN is on the minus strand). VCF-style: chr6-162443334-C-G. GRCh37 (hg19) VCF-style: chr6-162864366-C-G.
Other names: c.147G>C, p.Glu49Asp (NM_013987.3, NM_013988.3); short protein forms E49D.
Identifiers: ClinVar variation 854929 (VCV000854929.9), dbSNP rs199762783, ClinGen allele CA366477222.